The following is an entry in ClinVar:

ClinVar aggregate classification (germline): Uncertain significance (1 of 4 stars; one submission).

Conditions:
Familial adenomatous polyposis 1 (FAP1). Also called: FAMILIAL ADENOMATOUS POLYPOSIS 1, ATTENUATED; POLYPOSIS, ADENOMATOUS INTESTINAL. Identifiers: MedGen C2713442, MONDO:0021056, OMIM 175100. Disease mechanism: loss of function.

Submission:

Labcorp Genetics (formerly Invitae), Labcorp
Classification: Uncertain significance for Familial adenomatous polyposis 1. Last evaluated: 2022-08-31. Review status: criteria provided, single submitter. Criteria: Invitae Variant Classification Sherloc (09022015). Collection method: clinical testing. Allele origin: germline.
Comment: This variant occurs in a non-coding region of the APC gene. It does not change the encoded amino acid sequence of the APC protein. In summary, the available evidence is currently insufficient to determine the role of this variant in disease. Therefore, it has been classified as a Variant of Uncertain Significance. Experimental studies and prediction algorithms are not available or were not evaluated, and the functional significance of this variant is currently unknown. This variant has not been reported in the literature in individuals affected with APC-related conditions. This variant is not present in population databases (gnomAD no frequency).

NM_001127511.3(APC):c.104G>T (p.Arg35Leu)

Gene: APC (APC regulator of Wnt signaling pathway; plus strand). Cytogenetic location: 5q22.2.
Variant type: single nucleotide variant.
Coding change: c.104G>T on transcript NM_001127511.3; coding-DNA position 104, G replaced by T.
Protein change: p.Arg35Leu; replaces arginine 35 with leucine.
Molecular consequence: missense variant. On other transcripts: 5 prime UTR variant (8), non-coding transcript variant (1), intron variant (5).
Genome position (GRCh38, 1-based): chr5:112,707,821, G>T. VCF-style: chr5-112707821-G-T. GRCh37 (hg19) VCF-style: chr5-112043518-G-T.
Other names: c.-1115G>T (NM_001407470.1, NM_001407472.1); c.-19+172G>T (NM_001407448.1, NM_001407450.1, NM_001407457.1 and 1 more transcripts); c.-43+172G>T (NM_001407453.1); c.-80G>T (NM_001354895.2, NM_001407447.1, NM_001407452.1 and 3 more transcripts); c.104G>T, p.Arg35Leu (NM_001354897.2, NM_001354902.2, NM_001407446.1); short protein forms R35L.
Identifiers: ClinVar variation 1403221 (VCV001403221.6), dbSNP rs1750611869, ClinGen allele CA360611994.